The following is an entry in ClinVar:

ClinVar aggregate classification (germline): Pathogenic (1 of 4 stars; one submission).

Conditions:
Oligodontia-cancer predisposition syndrome. Also called: TOOTH AGENESIS-COLORECTAL CANCER SYNDROME. Identifiers: Orphanet 300576, MedGen C1837750, MONDO:0012075, OMIM 608615. Disease mechanism: loss of function.

Submission:

Myriad Genetics, Inc.
Classification: Pathogenic for Oligodontia-cancer predisposition syndrome. Last evaluated: 2023-01-10. Review status: criteria provided, single submitter. Criteria: Myriad Autosomal Dominant, Autosomal Recessive and X-Linked Classification Criteria (2023). Collection method: clinical testing. Allele origin: unknown.
Comment: This variant is considered pathogenic. This variant creates a frameshift predicted to result in premature protein truncation.

NM_004655.4(AXIN2):c.436_437del (p.Ser146fs)

Gene: AXIN2 (axin 2; minus strand). Cytogenetic location: 17q24.1.
Variant type: Microsatellite.
Coding change: c.436_437del on transcript NM_004655.4 (MANE Select); coding-DNA positions 436 to 437, 2 bases deleted (TC; older notation c.436_437delTC).
Protein change: p.Ser146fs; shifts the reading frame from serine 146.
Molecular consequence: frameshift variant.
Genome position (GRCh38, 1-based): chr17:65,558,184-65,558,185, GA deleted on the plus strand (TC on the coding strand, the reverse complement: AXIN2 is on the minus strand); deleting any 2 consecutive bases within chr17:65,558,184-65,558,187 gives the same sequence; the c. name uses the placement nearest the transcript's 3' end. VCF-style (leftmost placement, unchanged base first): chr17-65558183-GGA-G. GRCh37 (hg19) VCF-style: chr17-63554301-GGA-G.
Other names: c.436_437del, p.Ser146fs (NM_001363813.1); short protein forms S146fs.
Identifiers: ClinVar variation 2431269 (VCV002431269.1), dbSNP rs2544250881, ClinGen allele CA2580613222.